The following is an entry in ClinVar:

NM_005859.5(PURA):c.236A>C (p.Gln79Pro)

Gene: PURA (purine rich element binding protein A; plus strand). Cytogenetic location: 5q31.3.
Variant type: single nucleotide variant.
Coding change: c.236A>C on transcript NM_005859.5 (MANE Select); coding-DNA position 236, A replaced by C.
Protein change: p.Gln79Pro; replaces glutamine 79 with proline.
Molecular consequence: missense variant.
Genome position (GRCh38, 1-based): chr5:140,114,417, A>C. VCF-style: chr5-140114417-A-C. GRCh37 (hg19) VCF-style: chr5-139494002-A-C.
Other names: short protein forms Q79P.
Identifiers: ClinVar variation 2858636 (VCV002858636.3), dbSNP rs1469004129, ClinGen allele CA361490255.

ClinVar aggregate classification (germline): Uncertain significance (1 of 4 stars; one submission).

Conditions:
PURA-related severe neonatal hypotonia-seizures-encephalopathy syndrome (NEDRIHF). Also called: NEURODEVELOPMENTAL DISORDER WITH NEONATAL RESPIRATORY INSUFFICIENCY, HYPOTONIA, AND FEEDING DIFFICULTIES; PURA-Related Neurodevelopmental Disorders. Identifiers: Orphanet 438213, Orphanet 438216, MedGen C4015357, MONDO:1060108, OMIM 616158, MONDO:0018580.

Allele frequency attached by ClinVar (database versions not stated): gnomAD exomes below 0.00001.
gnomAD v4.1: 1 of 1,613,012 alleles (0.000062%); highest among the groups gnomAD compares: Admixed American, 0.0017%; no homozygotes.

Submission:

Labcorp Genetics (formerly Invitae), Labcorp
Classification: Uncertain significance for PURA-related severe neonatal hypotonia-seizures-encephalopathy syndrome. Last evaluated: 2023-04-23. Review status: criteria provided, single submitter. Criteria: Invitae Variant Classification Sherloc (09022015). Collection method: clinical testing. Allele origin: germline.
Comment: Advanced modeling of protein sequence and biophysical properties (such as structural, functional, and spatial information, amino acid conservation, physicochemical variation, residue mobility, and thermodynamic stability) performed at Invitae indicates that this missense variant is not expected to disrupt PURA protein function. In summary, the available evidence is currently insufficient to determine the role of this variant in disease. Therefore, it has been classified as a Variant of Uncertain Significance. This variant has not been reported in the literature in individuals affected with PURA-related conditions. The frequency data for this variant in the population databases is considered unreliable, as metrics indicate poor data quality at this position in the gnomAD database. This sequence change replaces glutamine, which is neutral and polar, with proline, which is neutral and non-polar, at codon 79 of the PURA protein (p.Gln79Pro).